The following is an entry in ClinVar:

NM_000257.4(MYH7):c.443G>T (p.Ser148Ile)

Gene: MYH7 (myosin heavy chain 7; minus strand). Cytogenetic location: 14q11.2.
Variant type: single nucleotide variant.
Coding change: c.443G>T on transcript NM_000257.4 (MANE Select); coding-DNA position 443, G replaced by T.
Protein change: p.Ser148Ile; replaces serine 148 with isoleucine.
Molecular consequence: missense variant.
Genome position (GRCh38, 1-based): chr14:23,432,698, C>A on the plus strand (G>T on the coding strand, the complement: MYH7 is on the minus strand). VCF-style: chr14-23432698-C-A. GRCh37 (hg19) VCF-style: chr14-23901907-C-A.
Other names: c.443G>T, p.Ser148Ile (NM_001407004.1); short protein forms S148I.
Identifiers: ClinVar variation 3338333 (VCV003338333.1).

ClinVar aggregate classification (germline): Likely pathogenic (1 of 4 stars; one submission).

Conditions:
Hypertrophic cardiomyopathy. Also called: HYPERTROPHIC MYOCARDIOPATHY. Identifiers: Orphanet 217569, MedGen C0007194, MeSH D002312, MONDO:0005045, HP:0001639.

gnomAD v4.1: 1 of 1,614,122 alleles (0.000062%); highest among the groups gnomAD compares: South Asian, 0.0011%; no homozygotes.

Submission:

Lildballe Lab, Aarhus University Hospital
Classification: Likely pathogenic for Hypertrophic cardiomyopathy. Last evaluated: 2024-03-01. Review status: criteria provided, single submitter. Criteria: ACMG Guidelines, 2015. Collection method: research. Allele origin: germline. Affected: yes.
Comment: PM1(m), PM2(sp), PM5(sup), PP3(sup),

Literature cited by the submitters: PubMed 25741899; PubMed 39481677.